The following is an entry in ClinVar:

NM_000240.4(MAOA):c.664G>C (p.Gly222Arg)

Gene: MAOA (monoamine oxidase A; plus strand). Cytogenetic location: Xp11.3.
Variant type: single nucleotide variant.
Coding change: c.664G>C on transcript NM_000240.4 (MANE Select); coding-DNA position 664, G replaced by C.
Protein change: p.Gly222Arg; replaces glycine 222 with arginine.
Molecular consequence: missense variant.
Genome position (GRCh38, 1-based): chrX:43,731,259, G>C. VCF-style: chrX-43731259-G-C. GRCh37 (hg19) VCF-style: chrX-43590506-G-C.
Other names: c.265G>C, p.Gly89Arg (NM_001270458.2); short protein forms G222R, G89R.
Identifiers: ClinVar variation 5018402 (VCV005018402.1).

ClinVar aggregate classification (germline): Uncertain significance (1 of 4 stars; one submission).

Submission:

GeneDx
Classification: Uncertain significance. Last evaluated: 2026-04-12. Review status: criteria provided, single submitter. Criteria: GeneDx Variant Classification Process June 2021. Collection method: clinical testing. Allele origin: germline.
Comment: Not observed at significant frequency in large population cohorts (gnomAD); In silico analysis supports that this missense variant has a deleterious effect on protein structure/function; Has not been previously published as pathogenic or benign to our knowledge